The following is an entry in ClinVar:

NM_031844.3(HNRNPU):c.437G>A (p.Gly146Glu)

Gene: HNRNPU (heterogeneous nuclear ribonucleoprotein U; minus strand). Cytogenetic location: 1q44.
Variant type: single nucleotide variant.
Coding change: c.437G>A on transcript NM_031844.3 (MANE Select); coding-DNA position 437, G replaced by A.
Protein change: p.Gly146Glu; replaces glycine 146 with glutamic acid.
Molecular consequence: missense variant.
Genome position (GRCh38, 1-based): chr1:244,863,871, C>T on the plus strand (G>A on the coding strand, the complement: HNRNPU is on the minus strand). VCF-style: chr1-244863871-C-T. GRCh37 (hg19) VCF-style: chr1-245027173-C-T.
Other names: c.437G>A, p.Gly146Glu (NM_004501.3); short protein forms G146E.
Identifiers: ClinVar variation 2703062 (VCV002703062.3), dbSNP rs1335894744, ClinGen allele CA345497111.

ClinVar aggregate classification (germline): Uncertain significance (1 of 4 stars; one submission).

Conditions:
Developmental and epileptic encephalopathy, 54. Also called: HNRNPU-Related Neurodevelopmental Disorder; Epileptic encephalopathy, early infantile, 54. Identifiers: MedGen C4479319, MONDO:0033363, OMIM 617391.

Submission:

Labcorp Genetics (formerly Invitae), Labcorp
Classification: Uncertain significance for Developmental and epileptic encephalopathy, 54. Last evaluated: 2023-12-14. Review status: criteria provided, single submitter. Criteria: Invitae Variant Classification Sherloc (09022015). Collection method: clinical testing. Allele origin: germline.
Comment: This sequence change replaces glycine, which is neutral and non-polar, with glutamic acid, which is acidic and polar, at codon 146 of the HNRNPU protein (p.Gly146Glu). This variant is not present in population databases (gnomAD no frequency). This variant has not been reported in the literature in individuals affected with HNRNPU-related conditions. An algorithm developed to predict the effect of missense changes on protein structure and function (PolyPhen-2) suggests that this variant is likely to be disruptive. In summary, the available evidence is currently insufficient to determine the role of this variant in disease. Therefore, it has been classified as a Variant of Uncertain Significance.